The following is an entry in ClinVar:

NM_006129.5(BMP1):c.1639+4C>G

Genes: BMP1 (bone morphogenetic protein 1; plus strand), LOC113788269 (BRD4-independent group 4 enhancer GRCh37_chr8:22052064-22053263; plus strand). Cytogenetic location: 8p21.3.
Variant type: single nucleotide variant.
Coding change: c.1639+4C>G on transcript NM_006129.5 (MANE Select); 4 bases into the intron after coding-DNA position 1639, C replaced by G.
Molecular consequence: intron variant.
Genome position (GRCh38, 1-based): chr8:22,194,923, C>G. VCF-style: chr8-22194923-C-G. GRCh37 (hg19) VCF-style: chr8-22052436-C-G.
Other names: c.1639+4C>G (NM_001199.4, NM_006129.4).
Identifiers: ClinVar variation 1917525 (VCV001917525.3), dbSNP rs1029274358, ClinGen allele CA173465747.

ClinVar aggregate classification (germline): Uncertain significance. Review status: criteria provided, multiple submitters, no conflicts (2 of 4 stars). 2 submissions from 2 submitters: Uncertain significance (2). Last evaluated 2022-10-27.

Conditions:
BMP1-related disorder. Also called: BMP1-related condition.

Allele frequency attached by ClinVar (database versions not stated): gnomAD exomes below 0.00001; gnomAD 0.00005; TOPMed 0.00012.
gnomAD v4.1: 13 of 1,603,074 alleles (0.00081%); highest among the groups gnomAD compares: Admixed American, 0.0086%; no homozygotes.

Submissions (2):

PreventionGenetics, part of Exact Sciences
Classification: Uncertain significance for BMP1-related condition. Last evaluated: 2022-10-27. Review status: criteria provided, single submitter. Criteria: ACMG Guidelines, 2015. Collection method: clinical testing. Allele origin: germline.
Comment: The BMP1 c.1639+4C>G variant is predicted to interfere with splicing. To our knowledge, this variant has not been reported in the literature. This variant is reported in 0.0062% of alleles in individuals of African descent in gnomAD. At this time, the clinical significance of this variant is uncertain due to the absence of conclusive functional and genetic evidence.

Labcorp Genetics (formerly Invitae), Labcorp
Classification: Uncertain significance. Last evaluated: 2022-06-10. Review status: criteria provided, single submitter. Criteria: Invitae Variant Classification Sherloc (09022015). Collection method: clinical testing. Allele origin: germline.
Comment: This sequence change falls in intron 12 of the BMP1 gene. It does not directly change the encoded amino acid sequence of the BMP1 protein. It affects a nucleotide within the consensus splice site. This variant is present in population databases (no rsID available, gnomAD 0.007%). This variant has not been reported in the literature in individuals affected with BMP1-related conditions. Variants that disrupt the consensus splice site are a relatively common cause of aberrant splicing (PMID: 17576681, 9536098). Algorithms developed to predict the effect of sequence changes on RNA splicing suggest that this variant may create or strengthen a splice site. In summary, the available evidence is currently insufficient to determine the role of this variant in disease. Therefore, it has been classified as a Variant of Uncertain Significance.

Literature cited by the submitters: PubMed 17576681 (cited by Labcorp Genetics (formerly Invitae), Labcorp); PubMed 9536098 (cited by Labcorp Genetics (formerly Invitae), Labcorp).